The following is an entry in ClinVar:

ClinVar aggregate classification (germline): Pathogenic (1 of 4 stars; one submission).

Conditions:
Ehlers-Danlos syndrome due to tenascin-X deficiency (EDSCLL1). Also called: EDS DUE TO TNX DEFICIENCY; TNX DEFICIENCY; Ehlers-Danlos syndrome, classic-like, 1; EHLERS-DANLOS SYNDROME, CLASSIC-LIKE; TNXB-Related Classical-Like Ehlers-Danlos Syndrome. Identifiers: Orphanet 230839, MedGen C1848029, MONDO:0011670, OMIM 606408.

Submission:

Myriad Genetics, Inc.
Classification: Pathogenic for Ehlers-Danlos syndrome due to tenascin-X deficiency. Last evaluated: 2025-10-28. Review status: criteria provided, single submitter. Criteria: Myriad Autosomal Dominant, Autosomal Recessive and X-Linked Classification Criteria (2023). Collection method: clinical testing. Allele origin: unknown.
Comment: NM_019105.6(TNXB):c.922dupG(V308Gfs*22) is expected to be pathogenic in the context of classical-like Ehlers-Danlos syndrome, TNXB-related. This variant is predicted to lead to an abnormal or absent protein product due to the creation of a premature termination codon in TNXB, a gene where loss-of-function variants are known to be pathogenic. Please note: this variant was assessed in the context of healthy population screening.

NM_001365276.2(TNXB):c.922dup (p.Val308fs)

Gene: TNXB (tenascin XB; minus strand). Cytogenetic location: 6p21.33.
Variant type: Duplication.
Coding change: c.922dup on transcript NM_001365276.2 (MANE Select); coding-DNA position 922, one base duplicated (G; older notation c.922dupG).
Protein change: p.Val308fs; shifts the reading frame from valine 308.
Molecular consequence: frameshift variant.
Genome position (GRCh38, 1-based): chr6:32,096,931, C duplicated on the plus strand (G on the coding strand, the reverse complement: TNXB is on the minus strand); the first of 4 consecutive C bases (chr6:32,096,931-32,096,934); duplicating any one gives the same sequence. VCF-style (leftmost placement, unchanged base first): chr6-32096930-A-AC. GRCh37 (hg19) VCF-style: chr6-32064707-A-AC.
Other names: c.922dup, p.Val308fs (NM_001428335.1, NM_019105.8); short protein forms V308fs.
Identifiers: ClinVar variation 5015151 (VCV005015151.1).